The following is an entry in ClinVar:

NM_001447.3(FAT2):c.8577A>T (p.Thr2859=)

Genes: FAT2 (FAT atypical cadherin 2; minus strand), SLC36A1 (solute carrier family 36 member 1; plus strand). Cytogenetic location: 5q33.1.
Variant type: single nucleotide variant.
Coding change: c.8577A>T on transcript NM_001447.3 (MANE Select); coding-DNA position 8577, A replaced by T.
Protein change: p.Thr2859=; no amino-acid change (threonine 2859 retained).
Molecular consequence: synonymous variant.
Genome position (GRCh38, 1-based): chr5:151,542,550, T>A on the plus strand (A>T on the coding strand, the complement: FAT2 is on the minus strand). VCF-style: chr5-151542550-T-A. GRCh37 (hg19) VCF-style: chr5-150922111-T-A.
Identifiers: ClinVar variation 3234407 (VCV003234407.20), dbSNP rs2479839128, ClinGen allele CA447416587.

ClinVar aggregate classification (germline): Likely benign (1 of 4 stars; one submission).

Allele frequency attached by ClinVar (database versions not stated): gnomAD exomes below 0.00001.
gnomAD v4.1: 1 of 1,613,990 alleles (0.000062%); highest among the groups gnomAD compares: South Asian, 0.0011%; no homozygotes.

Submission:

CeGaT Center for Human Genetics Tuebingen
Classification: Likely benign. Last evaluated: 2025-12-01. Review status: criteria provided, single submitter. Criteria: CeGaT Center For Human Genetics Tuebingen Variant Classification Criteria Version 2. Collection method: clinical testing. Allele origin: germline. Affected: yes. Observed: 2 variant alleles.
Comment: FAT2: BP4, BP7